The following is an entry in ClinVar:

ClinVar aggregate classification (germline): Uncertain significance (1 of 4 stars; one submission).

Submission:

Labcorp Genetics (formerly Invitae), Labcorp
Classification: Uncertain significance. Last evaluated: 2022-07-11. Review status: criteria provided, single submitter. Criteria: Invitae Variant Classification Sherloc (09022015). Collection method: clinical testing. Allele origin: germline.
Comment: Variants that disrupt the consensus splice site are a relatively common cause of aberrant splicing (PMID: 17576681, 9536098). Algorithms developed to predict the effect of sequence changes on RNA splicing suggest that this variant may disrupt the consensus splice site. This variant has not been reported in the literature in individuals affected with POLE2-related conditions. In summary, the available evidence is currently insufficient to determine the role of this variant in disease. Therefore, it has been classified as a Variant of Uncertain Significance. This sequence change affects codon 192 of the POLE2 mRNA. It is a 'silent' change, meaning that it does not change the encoded amino acid sequence of the POLE2 protein. This variant also falls at the last nucleotide of exon 7, which is part of the consensus splice site for this exon. This variant is not present in population databases (gnomAD no frequency).

Literature cited by the submitters: PubMed 17576681; PubMed 9536098.

NM_002692.4(POLE2):c.576G>A (p.Glu192=)

Gene: POLE2 (DNA polymerase epsilon 2, accessory subunit; minus strand). Cytogenetic location: 14q21.3.
Variant type: single nucleotide variant.
Coding change: c.576G>A on transcript NM_002692.4 (MANE Select); coding-DNA position 576, G replaced by A.
Protein change: p.Glu192=; no amino-acid change (glutamic acid 192 retained).
Molecular consequence: synonymous variant.
Genome position (GRCh38, 1-based): chr14:49,666,330, C>T on the plus strand (G>A on the coding strand, the complement: POLE2 is on the minus strand). VCF-style: chr14-49666330-C-T. GRCh37 (hg19) VCF-style: chr14-50133048-C-T.
Other names: c.498G>A, p.Glu166= (NM_001197330.2); c.576G>A, p.Glu192= (NM_001197331.3, NM_001348384.2); c.345G>A, p.Glu115= (NM_001348385.2).
Identifiers: ClinVar variation 2016179 (VCV002016179.4), dbSNP rs2502876371, ClinGen allele CA486141071.